The following continues an entry in ClinVar:

NM_014159.7(SETD2):c.5218C>T (p.Arg1740Trp)

Gene: SETD2. ClinVar aggregate classification (germline): Pathogenic/Likely pathogenic. Pathogenic (11); Likely pathogenic (4).

Submissions 11 to 19 of 19:

Victorian Clinical Genetics Services, Murdoch Childrens Research Institute
Classification: Likely pathogenic for Luscan-Lumish syndrome. Last evaluated: 2020-05-21. Review status: criteria provided, single submitter. Criteria: ACMG Guidelines, 2015. Collection method: clinical testing. Allele origin: germline. Inheritance: Autosomal dominant inheritance. Affected: yes.
Comment: A heterozygous missense variant was identified, NM_014159.6(SETD2):c.5218C>T in exon 10 of 21 of the SETD2 gene. This substitution is predicted to create a major amino acid change from an arginine to a tryptophan at position 1740 of the protein; NP_054878.5(SETD2):p.(Arg1740Trp). The arginine at this position has very high conservation (100 vertebrates, UCSC), and is situated within a constrained region. In silico software predicts this variant to be damaging (Polyphen, SIFT, CADD, Mutation Taster) and the variant is not present in the gnomAD population database. This variant has been previously reported pathogenic in a patient with cerebellar malformations (Aldinger, K. A. et al. (2019)). A different variant in the same codon resulting in a change to a glutamine has been reported as a VUS (LOVD). Based on information available at the time of curation, this variant has been classified as LIKELY PATHOGENIC.

Rady Children's Institute for Genomic Medicine, Rady Children's Hospital San Diego
Classification: Likely pathogenic for SETD2-related disorder. Last evaluated: 2019-09-06. Review status: criteria provided, single submitter. Criteria: ACMG Guidelines, 2015. Collection method: clinical testing. Allele origin: germline. Affected: yes.
Comment: This variant has not been previously reported or functionally characterized in the literature to our knowledge. It is absent from the ExAC and gnomAD population databases and thus is presumed to be rare. Multiple in silico analyses support a deleterious effect of the c.5218C>T (p.Arg1740Trp) variant on protein function. This variant has been reported as Pathogenic as a heterozygous change by a clinical laboratory in the ClinVar databse (Variation ID: 388568). Based on the available evidence, the c.5218C>T (p.Arg1740Trp) variant is classified as Likely Pathogenic.

Institute of Human Genetics, University of Leipzig Medical Center
Classification: Likely pathogenic for Luscan-Lumish syndrome. Last evaluated: 2019-05-16. Review status: criteria provided, single submitter. Criteria: ACMG Guidelines, 2015. Collection method: clinical testing. Allele origin: de novo. Affected: yes. Observed: 1 variant allele.
Comment: This variant was identified as de novo (maternity and paternity confirmed).

Rady Children's Institute for Genomic Medicine, Rady Children's Hospital San Diego
Classification: Likely pathogenic for LUSCAN-LUMISH SYNDROME. Last evaluated: 2019-04-05. Review status: criteria provided, single submitter. Criteria: ACMG Guidelines, 2015. Collection method: clinical testing. Allele origin: germline. Affected: yes. Observed: 1 variant allele.
Comment: This variant has not been previously reported or functionally characterized in the literature to our knowledge. It is absent from the ExAC and gnomAD population databases and thus is presumed to be rare. Multiple in silico analyses support a deleterious effect of the c.5218C>T (p.Arg1740Trp) variant on protein function. This variant has been reported as pathogenic as a heterogeneous change in ClinVar by a clinical laboratory (Accession ID: RCV000426759.1). Based on the available evidence, the c.5218C>T (p.Arg1740Trp) variant is classified as likely pathogenic.

Baylor Genetics
Classification: Pathogenic for Luscan-Lumish syndrome. Last evaluated: 2019-03-18. Review status: criteria provided, single submitter. Criteria: ACMG Guidelines, 2015. Collection method: clinical testing. Allele origin: de novo. Affected: yes.
Comment: This variant was determined to be pathogenic according to ACMG Guidelines, 2015 [PMID:25741868].

OMIM
Classification: Pathogenic for RABIN-PAPPAS SYNDROME. Last evaluated: 2022-12-13. Review status: no assertion criteria provided. Collection method: literature only. Allele origin: germline. Not counted in ClinVar's aggregate classification.

Dobyns Lab, Seattle Children's Research Institute
Classification: Pathogenic for Luscan-lumish syndrome; Cerebellar vermis hypoplasia; Agenesis of corpus callosum. Last evaluated: 2019-02-18. Review status: no assertion criteria provided. Collection method: research. Allele origin: germline. Affected: yes. Observed: 1 variant allele. Not counted in ClinVar's aggregate classification.

GeneReviews
No classification provided. Condition: Luscan-Lumish syndrome. Review status: no classification provided. Collection method: literature only. Allele origin: germline. Not counted in ClinVar's aggregate classification.
Comment: Only variant known to be assoc w/SETD2-NDD w/MCA

University of Washington Center for Mendelian Genomics, University of Washington
Classification: Likely pathogenic for Cerebellar hypoplasia. Review status: no assertion criteria provided. Collection method: research. Allele origin: de novo. Affected: yes. Not counted in ClinVar's aggregate classification.

Literature cited by the submitters: PubMed 32710489 (cited by 6 submitters); PubMed 37166351 (cited by Wales Gene Park, Division Of Cancer and Genetics, Cardiff University); PubMed 34958143 (cited by New York Genome Center); PubMed 31474318 (cited by 4 submitters); PubMed 36474027 (cited by Daryl Scott Lab, Baylor College of Medicine); PubMed 29276005 (cited by Ambry Genetics); NCBI Bookshelf NBK575927 (cited by GeneReviews).